The following is an entry in ClinVar:

NM_145054.5(CFAP52):c.705del (p.Thr236fs)

Gene: CFAP52 (cilia and flagella associated protein 52; plus strand). Cytogenetic location: 17p13.1.
Variant type: Deletion.
Coding change: c.705del on transcript NM_145054.5 (MANE Select); coding-DNA position 705, one base deleted (G; older notation c.705delG).
Protein change: p.Thr236fs; shifts the reading frame from threonine 236.
Molecular consequence: frameshift variant.
Genome position (GRCh38, 1-based): chr17:9,600,135, G deleted; the last of 2 consecutive G bases (chr17:9,600,134-9,600,135); deleting either gives the same sequence. VCF-style (leftmost placement, unchanged base first): chr17-9600133-AG-A. GRCh37 (hg19) VCF-style: chr17-9503450-AG-A.
Other names: c.705delG, p.Thr236Leufs (NM_001037306.1); c.501del, p.Thr168fs (NM_001080556.2); c.705delG (NM_145054.4); short protein forms T168fs, T236fs.
Identifiers: ClinVar variation 2503114 (VCV002503114.2), dbSNP rs752819814, ClinGen allele CA8381983.

ClinVar aggregate classification (germline): Conflicting classifications of pathogenicity. Review status: criteria provided, conflicting classifications (1 of 4 stars). 2 submissions from 2 submitters: Likely pathogenic (1); Uncertain significance (1). Last evaluated 2025-10-23.

Conditions:
CFAP52-related disorder. Also called: CFAP52-related condition.

Submissions (2):

PreventionGenetics, part of Exact Sciences
Classification: Uncertain significance for CFAP52-related condition. Last evaluated: 2025-10-23. Review status: criteria provided, single submitter. Criteria: ACMG Guidelines, 2015. Collection method: clinical testing. Allele origin: germline.
Comment: The CFAP52 c.705delG variant is predicted to result in a frameshift and premature protein termination (p.Thr236Leufs*4). To our knowledge, this variant has not been reported in the literature. This variant is reported in 0.12% of alleles in individuals of African descent in gnomAD. Loss of function is not an established mechanism of CFAP52-related disease. Although we suspect that this variant may be pathogenic, at this time, the clinical significance of this variant is uncertain due to the absence of conclusive functional and genetic evidence.

GeneDx
Classification: Likely pathogenic. Last evaluated: 2023-05-19. Review status: criteria provided, single submitter. Criteria: GeneDx Variant Classification Process June 2021. Collection method: clinical testing. Allele origin: germline. Affected: yes.
Comment: Frameshift variant predicted to result in protein truncation or nonsense mediated decay in a gene for which loss-of-function is a known mechanism of disease; Has not been previously published as pathogenic or benign to our knowledge